The following is an entry in ClinVar:

ClinVar aggregate classification (germline): Uncertain significance (1 of 4 stars; one submission).

Allele frequency attached by ClinVar (database versions not stated): gnomAD exomes 0.00001; TOPMed 0.00002; ExAC 0.00003; gnomAD 0.00003; 1000 Genomes Project 30x 0.00016; 1000 Genomes Project 0.00020.
gnomAD v4.1: 14 of 1,612,702 alleles (0.00087%); highest among the groups gnomAD compares: South Asian, 0.0055%; no homozygotes.

Submission:

Labcorp Genetics (formerly Invitae), Labcorp
Classification: Uncertain significance. Last evaluated: 2024-11-18. Review status: criteria provided, single submitter. Criteria: Invitae Variant Classification Sherloc (09022015). Collection method: clinical testing. Allele origin: germline.
Comment: This sequence change replaces glycine, which is neutral and non-polar, with arginine, which is basic and polar, at codon 8 of the PLVAP protein (p.Gly8Arg). This variant is present in population databases (rs569842497, gnomAD 0.02%). This variant has not been reported in the literature in individuals affected with PLVAP-related conditions. ClinVar contains an entry for this variant (Variation ID: 2077150). Invitae Evidence Modeling of protein sequence and biophysical properties (such as structural, functional, and spatial information, amino acid conservation, physicochemical variation, residue mobility, and thermodynamic stability) indicates that this missense variant is not expected to disrupt PLVAP protein function with a negative predictive value of 80%. In summary, the available evidence is currently insufficient to determine the role of this variant in disease. Therefore, it has been classified as a Variant of Uncertain Significance.

NM_031310.3(PLVAP):c.22G>A (p.Gly8Arg)

Gene: PLVAP (plasmalemma vesicle associated protein; minus strand). Cytogenetic location: 19p13.11.
Variant type: single nucleotide variant.
Coding change: c.22G>A on transcript NM_031310.3 (MANE Select); coding-DNA position 22, G replaced by A.
Protein change: p.Gly8Arg; replaces glycine 8 with arginine.
Molecular consequence: missense variant.
Genome position (GRCh38, 1-based): chr19:17,377,267, C>T on the plus strand (G>A on the coding strand, the complement: PLVAP is on the minus strand). VCF-style: chr19-17377267-C-T. GRCh37 (hg19) VCF-style: chr19-17488076-C-T.
Other names: short protein forms G8R.
Identifiers: ClinVar variation 2077150 (VCV002077150.2), dbSNP rs569842497, ClinGen allele CA9294167.
Genomic context (GRCh38, chr19:17,377,267, plus strand): 5'-AGTAGCGCAGGTAATACCAGCAGCCCCGAGAGCTGCCCCCCGCCCGAGCGTAGGACCCTC[C>T]GTGCTCCATGGCCAGACCCATTTGCTCGATCCCGCCGTCCGGTGCACCGTCCCTGCTCAC-3'
Protein context (NP_112600.1, residues 1-18): MGLAMEH[Gly8Arg]GSYARAGGSS